The following is an entry in ClinVar:

NM_058246.4(DNAJB6):c.692-14C>T

Gene: DNAJB6 (DnaJ heat shock protein family (Hsp40) member B6; plus strand). Cytogenetic location: 7q36.3.
Variant type: single nucleotide variant.
Coding change: c.692-14C>T on transcript NM_058246.4 (MANE Select); 14 bases into the intron before coding-DNA position 692, C replaced by T.
Molecular consequence: intron variant.
Genome position (GRCh38, 1-based): chr7:157,409,781, C>T. VCF-style: chr7-157409781-C-T. GRCh37 (hg19) VCF-style: chr7-157202475-C-T.
Other names: c.347-14C>T (NM_001363676.1); c.692-14C>T (NM_058246.3).
Identifiers: ClinVar variation 1942740 (VCV001942740.6), dbSNP rs767895756, ClinGen allele CA4590633.
Genomic context (GRCh38, chr7:157,409,781, plus strand): 5'-CCCTCCCTCTGCTCTGGATGGGGGCCGGCCGCCGCCGCTCACTCACGGCTCTCTCTCTCC[C>T]GCTGTGCCTGCAGGTGTGGCCGACGACGATGCCCTCGCTGAGGAGCGCATGCGGAGAGGC-3'

ClinVar aggregate classification (germline): Likely benign. Review status: criteria provided, multiple submitters, no conflicts (2 of 4 stars). 2 submissions from 2 submitters: Likely benign (2). Last evaluated 2026-01-12.

Conditions:
DNAJB6-related disorder. Also called: DNAJB6-related condition.
Autosomal dominant limb-girdle muscular dystrophy type 1D (DNAJB6) (LGMDD1). Also called: MUSCULAR DYSTROPHY, AUTOSOMAL DOMINANT, WITH RIMMED VACUOLES; MUSCULAR DYSTROPHY, LIMB-GIRDLE, TYPE 1D; Autosomal dominant limb-girdle muscular dystrophy type 1D; Muscular dystrophy, limb-girdle, autosomal dominant 1. Identifiers: Orphanet 34516, MedGen C4721885, MONDO:0021018, OMIM 603511.

Allele frequency attached by ClinVar (database versions not stated): gnomAD 0.00001; TOPMed 0.00001; ExAC 0.00014.
gnomAD v4.1: 16 of 1,518,124 alleles (0.0011%); highest among the groups gnomAD compares: Admixed American, 0.016%; no homozygotes.

Submissions (2):

PreventionGenetics, part of Exact Sciences
Classification: Likely benign for DNAJB6-related condition. Last evaluated: 2026-01-12. Review status: criteria provided, single submitter. Criteria: ACMG Guidelines, 2015. Collection method: clinical testing. Allele origin: germline.
Comment: This variant is classified as likely benign based on ACMG/AMP sequence variant interpretation guidelines (Richards et al. 2015 PMID: 25741868, with internal and published modifications).

Labcorp Genetics (formerly Invitae), Labcorp
Classification: Likely benign for Autosomal dominant limb-girdle muscular dystrophy type 1D (DNAJB6). Last evaluated: 2025-06-09. Review status: criteria provided, single submitter. Criteria: Invitae Variant Classification Sherloc (09022015). Collection method: clinical testing. Allele origin: germline.